The following is an entry in ClinVar:

ClinVar aggregate classification (germline): Uncertain significance. Review status: criteria provided, multiple submitters, no conflicts (2 of 4 stars). 3 submissions from 3 submitters: Uncertain significance (3). Last evaluated 2025-10-14.

Conditions:
Inborn genetic diseases. Identifiers: MedGen C0950123, MeSH D030342.
Myopathy, centronuclear, 5 (CNM5). Identifiers: Orphanet 169186, MedGen C4014814, MONDO:0014418, OMIM 615959.

Allele frequency attached by ClinVar (database versions not stated): gnomAD exomes 0.00013; gnomAD 0.00015 and 0.00017; 1000 Genomes Project 30x 0.00016; TOPMed 0.00018; 1000 Genomes Project 0.00020; ExAC 0.00024; ESP Exome Variant Server 0.00024.
gnomAD v4.1: 123 of 1,587,724 alleles (0.0077%); highest among the groups gnomAD compares: African/African-American, 0.038%; 2 homozygotes.

Submissions (3):

Labcorp Genetics (formerly Invitae), Labcorp
Classification: Uncertain significance. Last evaluated: 2025-10-14. Review status: criteria provided, single submitter. Criteria: Invitae Variant Classification Sherloc (09022015). Collection method: clinical testing. Allele origin: germline.
Comment: This sequence change replaces arginine, which is basic and polar, with tryptophan, which is neutral and slightly polar, at codon 2704 of the SPEG protein (p.Arg2704Trp). This variant is present in population databases (rs370009561, gnomAD 0.06%). This variant has not been reported in the literature in individuals affected with SPEG-related conditions. ClinVar contains an entry for this variant (Variation ID: 1442545). An algorithm developed to predict the effect of missense changes on protein structure and function (PolyPhen-2) suggests that this variant is likely to be disruptive. In summary, the available evidence is currently insufficient to determine the role of this variant in disease. Therefore, it has been classified as a Variant of Uncertain Significance.

Revvity Omics, Revvity
Classification: Uncertain significance for Myopathy, centronuclear, 5. Last evaluated: 2024-10-10. Review status: criteria provided, single submitter. Criteria: ACMG Guidelines, 2015. Collection method: clinical testing. Allele origin: germline.

Ambry Genetics
Classification: Uncertain significance for Inborn genetic diseases. Last evaluated: 2021-06-22. Review status: criteria provided, single submitter. Criteria: Ambry Variant Classification Scheme 2023. Collection method: clinical testing. Allele origin: germline.

NM_005876.5(SPEG):c.8110C>T (p.Arg2704Trp)

Genes: ASIC4-AS1 (ASIC4 antisense RNA 1; minus strand), SPEG (striated muscle enriched protein kinase; plus strand). Cytogenetic location: 2q35.
Variant type: single nucleotide variant.
Coding change: c.8110C>T on transcript NM_005876.5 (MANE Select); coding-DNA position 8110, C replaced by T.
Protein change: p.Arg2704Trp; replaces arginine 2704 with tryptophan.
Molecular consequence: missense variant.
Genome position (GRCh38, 1-based): chr2:219,488,861, C>T. VCF-style: chr2-219488861-C-T. GRCh37 (hg19) VCF-style: chr2-220353583-C-T.
Other names: c.8110C>T (NM_005876.4); short protein forms R2704W.
Identifiers: ClinVar variation 1442545 (VCV001442545.9), dbSNP rs370009561, ClinGen allele CA2127392.
Genomic context (GRCh38, chr2:219,488,861, plus strand): 5'-CCAGAGGTACCCCAGACCTACCAGGACACGGCGCTGGTGCTGTGGAAGCCGGGAGACAGC[C>T]GGGCACCTTGCACGTATACGCTGGAGCGGCGAGTGGATGGTGAGGATGGGGCAGCTGGAG-3'
Protein context (NP_005867.3, residues 2694-2714): ALVLWKPGDS[Arg2704Trp]APCTYTLERR